The following is an entry in ClinVar:

NM_002029.4(FPR1):c.349G>A (p.Ala117Thr)

Gene: FPR1 (formyl peptide receptor 1; minus strand). Cytogenetic location: 19q13.41.
Variant type: single nucleotide variant.
Coding change: c.349G>A on transcript NM_002029.4 (MANE Select); coding-DNA position 349, G replaced by A.
Protein change: p.Ala117Thr; replaces alanine 117 with threonine.
Molecular consequence: missense variant.
Genome position (GRCh38, 1-based): chr19:51,746,646, C>T on the plus strand (G>A on the coding strand, the complement: FPR1 is on the minus strand). VCF-style: chr19-51746646-C-T. GRCh37 (hg19) VCF-style: chr19-52249899-C-T.
Other names: c.349G>A, p.Ala117Thr (NM_001193306.2); short protein forms A117T.
Identifiers: ClinVar variation 2172572 (VCV002172572.4), dbSNP rs547228145, ClinGen allele CA309808554.

ClinVar aggregate classification (germline): Uncertain significance (1 of 4 stars; one submission).

Conditions:
Gingival disorder. Also called: Gingival disease. Identifiers: MedGen C0017563, MONDO:0002021.

Allele frequency attached by ClinVar (database versions not stated): TOPMed 0.00002; gnomAD 0.00004; 1000 Genomes Project 30x 0.00016; 1000 Genomes Project 0.00020.
gnomAD v4.1: 13 of 1,614,066 alleles (0.00081%); highest among the groups gnomAD compares: Admixed American, 0.0067%; no homozygotes.

Submission:

Labcorp Genetics (formerly Invitae), Labcorp
Classification: Uncertain significance for Gingival disorder. Last evaluated: 2022-07-26. Review status: criteria provided, single submitter. Criteria: Invitae Variant Classification Sherloc (09022015). Collection method: clinical testing. Allele origin: germline.
Comment: This variant has not been reported in the literature in individuals affected with FPR1-related conditions. In summary, the available evidence is currently insufficient to determine the role of this variant in disease. Therefore, it has been classified as a Variant of Uncertain Significance. Algorithms developed to predict the effect of missense changes on protein structure and function output the following: SIFT: "Tolerated"; PolyPhen-2: "Benign"; Align-GVGD: "Class C0". The threonine amino acid residue is found in multiple mammalian species, which suggests that this missense change does not adversely affect protein function. This variant is present in population databases (rs547228145, gnomAD 0.007%). This sequence change replaces alanine, which is neutral and non-polar, with threonine, which is neutral and polar, at codon 117 of the FPR1 protein (p.Ala117Thr).